The following is an entry in ClinVar:

NM_002430.3(MN1):c.2364G>T (p.Gln788His)

Gene: MN1 (MN1 proto-oncogene, transcriptional regulator; minus strand). Cytogenetic location: 22q12.1.
Variant type: single nucleotide variant.
Coding change: c.2364G>T on transcript NM_002430.3 (MANE Select); coding-DNA position 2364, G replaced by T.
Protein change: p.Gln788His; replaces glutamine 788 with histidine.
Molecular consequence: missense variant.
Genome position (GRCh38, 1-based): chr22:27,798,180, C>A on the plus strand (G>T on the coding strand, the complement: MN1 is on the minus strand). VCF-style: chr22-27798180-C-A. GRCh37 (hg19) VCF-style: chr22-28194168-C-A.
Other names: short protein forms Q788H.
Identifiers: ClinVar variation 3360075 (VCV003360075.1).
Genomic context (GRCh38, chr22:27,798,180, plus strand): 5'-GCCCAGCGAGAGCGCGCCCAATTTACTGGCCGAGGTGCGCTGGCTGGGCTGGAAATCAGG[C>A]TGCGGCGGGTAGGCACCCCCGCCACCGCCGCCACCAGAGCTGCCACCGCCCCCTCCCGCG-3'
Protein context (NP_002421.3, residues 778-798): GGGGGGAYPP[Gln788His]PDFQPSQRTS

ClinVar aggregate classification (germline): Uncertain significance (1 of 4 stars; one submission).

gnomAD v4.1: 1 of 1,565,214 alleles (0.000064%); highest among the groups gnomAD compares: Non-Finnish European, 0.000086%; no homozygotes.

Submission:

GeneDx
Classification: Uncertain significance. Last evaluated: 2023-06-23. Review status: criteria provided, single submitter. Criteria: GeneDx Variant Classification Process June 2021. Collection method: clinical testing. Allele origin: germline. Affected: yes.
Comment: Not observed at significant frequency in large population cohorts (gnomAD); In silico analysis supports that this missense variant has a deleterious effect on protein structure/function; Has not been previously published as pathogenic or benign to our knowledge